The following is an entry in ClinVar:

NM_173495.3(PTCHD1):c.1003G>A (p.Val335Ile)

Gene: PTCHD1 (patched domain containing 1; plus strand). Cytogenetic location: Xp22.11.
Variant type: single nucleotide variant.
Coding change: c.1003G>A on transcript NM_173495.3 (MANE Select); coding-DNA position 1003, G replaced by A.
Protein change: p.Val335Ile; replaces valine 335 with isoleucine.
Molecular consequence: missense variant.
Genome position (GRCh38, 1-based): chrX:23,380,242, G>A. VCF-style: chrX-23380242-G-A. GRCh37 (hg19) VCF-style: chrX-23398359-G-A.
Other names: c.1003G>A (NM_173495.2); short protein forms V335I.
Identifiers: ClinVar variation 167549 (VCV000167549.20), dbSNP rs727504113, ClinGen allele CA234747.
Genomic context (GRCh38, chrX:23,380,242, plus strand): 5'-GCCGGGATCATCAATCTTACTGGTGGGAAATATAATTCCACCTTCCTGGGAGTCCCTTTC[G>A]TCATGCTAGGTAATTACTACTCTTCTTTCTTCTGTTTCCGCCTGCTGGTGGTGTTGACTA-3'
Protein context (NP_775766.2, residues 325-345): YNSTFLGVPF[Val335Ile]MLGHGLYGTF

ClinVar aggregate classification (germline): Conflicting classifications of pathogenicity. Review status: criteria provided, conflicting classifications (1 of 4 stars). 3 submissions from 3 submitters: Uncertain significance (1); Likely benign (2). Last evaluated 2025-02-01.

Conditions:
Inborn genetic diseases. Identifiers: MedGen C0950123, MeSH D030342.

Allele frequency attached by ClinVar (database versions not stated): TOPMed 0.00002; ExAC 0.00003; gnomAD 0.00001; gnomAD exomes 0.00004.
gnomAD v4.1: 15 of 1,204,963 alleles (0.0012%); highest among the groups gnomAD compares: South Asian, 0.0088%; no homozygotes.

Submissions (3):

CeGaT Center for Human Genetics Tuebingen
Classification: Likely benign. Last evaluated: 2025-02-01. Review status: criteria provided, single submitter. Criteria: CeGaT Center For Human Genetics Tuebingen Variant Classification Criteria Version 2. Collection method: clinical testing. Allele origin: germline. Affected: yes. Observed: 1 variant allele.
Comment: PTCHD1: BP4, BS2

Ambry Genetics
Classification: Likely benign for Inborn genetic diseases. Last evaluated: 2023-09-26. Review status: criteria provided, single submitter. Criteria: Ambry Variant Classification Scheme 2023. Collection method: clinical testing. Allele origin: germline.

Eurofins Ntd Llc (ga)
Classification: Uncertain significance. Last evaluated: 2014-01-24. Review status: criteria provided, single submitter. Criteria: EGL Classification Definitions 2015. Collection method: clinical testing. Allele origin: germline. Observed: 1 variant allele, 1 heterozygote.